The following is an entry in ClinVar:

ClinVar aggregate classification (germline): Uncertain significance (1 of 4 stars; one submission).

Conditions:
COG4-congenital disorder of glycosylation. Also called: COG4-CDG; CONGENITAL DISORDER OF GLYCOSYLATION, TYPE IIj; CDG IIj. Identifiers: Orphanet 263501, MedGen C4303552, MONDO:0013281, OMIM 613489.

gnomAD v4.1: 1 of 1,613,228 alleles (0.000062%); highest among the groups gnomAD compares: Non-Finnish European, 0.000085%; no homozygotes.

Submission:

Labcorp Genetics (formerly Invitae), Labcorp
Classification: Uncertain significance for COG4-congenital disorder of glycosylation. Last evaluated: 2022-12-05. Review status: criteria provided, single submitter. Criteria: Invitae Variant Classification Sherloc (09022015). Collection method: clinical testing. Allele origin: germline.
Comment: This variant has not been reported in the literature in individuals affected with COG4-related conditions. In summary, the available evidence is currently insufficient to determine the role of this variant in disease. Therefore, it has been classified as a Variant of Uncertain Significance. Algorithms developed to predict the effect of missense changes on protein structure and function are either unavailable or do not agree on the potential impact of this missense change (SIFT: "Deleterious"; PolyPhen-2: "Benign"; Align-GVGD: "Class C35"). This variant is not present in population databases (gnomAD no frequency). This sequence change replaces glutamic acid, which is acidic and polar, with valine, which is neutral and non-polar, at codon 355 of the COG4 protein (p.Glu355Val).

NM_015386.3(COG4):c.1064A>T (p.Glu355Val)

Gene: COG4 (component of oligomeric golgi complex 4; minus strand). Cytogenetic location: 16q22.1.
Variant type: single nucleotide variant.
Coding change: c.1064A>T on transcript NM_015386.3 (MANE Select); coding-DNA position 1064, A replaced by T.
Protein change: p.Glu355Val; replaces glutamic acid 355 with valine.
Molecular consequence: missense variant. On other transcripts: non-coding transcript variant (1).
Genome position (GRCh38, 1-based): chr16:70,501,089, T>A on the plus strand (A>T on the coding strand, the complement: COG4 is on the minus strand). VCF-style: chr16-70501089-T-A. GRCh37 (hg19) VCF-style: chr16-70534992-T-A.
Other names: c.1052A>T, p.Glu351Val (NM_001195139.2); c.638A>T, p.Glu213Val (NM_001365426.1); short protein forms E355V, E213V, E351V.
Identifiers: ClinVar variation 2896787 (VCV002896787.3), dbSNP rs2507511842, ClinGen allele CA396574610.
Genomic context (GRCh38, chr16:70,501,089, plus strand): 5'-CGTAAGTATAGCTCACTGCGGGCATTCATCAGGGTGACCTCAGTCAGGATGGGGTCCAGT[T>A]CTCTGAGACACATGGAGCAGAAGGAATAGGACGACAATGGATTACCTTAGACACAAGAGC-3'
Protein context (NP_056201.2, residues 345-365): NSTTEKIEPR[Glu355Val]LDPILTEVTL